The following is an entry in ClinVar:

ClinVar aggregate classification (germline): Uncertain significance (1 of 4 stars; one submission).

Conditions:
Familial thoracic aortic aneurysm and aortic dissection (TAAD). Also called: Thoracic aortic aneurysms and dissections. Identifiers: Orphanet 91387, MedGen C4707243, MONDO:0019625.

Submission:

Color Diagnostics, LLC DBA Color Health
Classification: Uncertain significance for Familial thoracic aortic aneurysm and aortic dissection. Last evaluated: 2025-06-30. Review status: criteria provided, single submitter. Criteria: ACMG Guidelines, 2015. Collection method: clinical testing. Allele origin: germline.
Comment: This missense variant replaces histidine with glutamine at codon 1331 of the FBN1 protein. Computational prediction suggests that this variant may have deleterious impact on protein structure and function. To our knowledge, functional studies have not been reported for this variant. This variant has not been reported in individuals affected with FBN1-related disorders in the literature. This variant has not been identified in the general population by the Genome Aggregation Database (gnomAD). The available evidence is insufficient to determine the role of this variant in disease conclusively. Therefore, this variant is classified as a Variant of Uncertain Significance.

NM_000138.5(FBN1):c.3993C>G (p.His1331Gln)

Gene: FBN1 (fibrillin 1; minus strand). Cytogenetic location: 15q21.1.
Variant type: single nucleotide variant.
Coding change: c.3993C>G on transcript NM_000138.5 (MANE Select); coding-DNA position 3993, C replaced by G.
Protein change: p.His1331Gln; replaces histidine 1331 with glutamine.
Molecular consequence: missense variant.
Genome position (GRCh38, 1-based): chr15:48,474,622, G>C on the plus strand (C>G on the coding strand, the complement: FBN1 is on the minus strand). VCF-style: chr15-48474622-G-C. GRCh37 (hg19) VCF-style: chr15-48766819-G-C.
Other names: c.3993C>G, p.His1331Gln (NM_001406716.1); short protein forms H1331Q.
Identifiers: ClinVar variation 4757410 (VCV004757410.1).
Genomic context (GRCh38, chr15:48,474,622, plus strand): 5'-ACTGCAGCTACATTTGAAGCTTCCTGCTGTATTGGTACATACAGCATGTTTGCCACAGTT[G>C]TGTGCTCCAATTTCACATTCATTGATGTCTGGAAAAATGAGCAGTGATTTAGAAAAAGGC-3'
Protein context (NP_000129.3, residues 1321-1341): TDINECEIGA[His1331Gln]NCGKHAVCTN